The following is an entry in ClinVar:

NM_001378120.1(MBD5):c.5107G>A (p.Gly1703Arg)

Gene: MBD5 (methyl-CpG binding domain protein 5; plus strand). Cytogenetic location: 2q23.1.
Variant type: single nucleotide variant.
Coding change: c.5107G>A on transcript NM_001378120.1 (MANE Select); coding-DNA position 5107, G replaced by A.
Protein change: p.Gly1703Arg; replaces glycine 1703 with arginine.
Molecular consequence: missense variant.
Genome position (GRCh38, 1-based): chr2:148,510,130, G>A. VCF-style: chr2-148510130-G-A. GRCh37 (hg19) VCF-style: chr2-149267699-G-A.
Other names: c.4408G>A, p.Gly1470Arg (NM_018328.5); short protein forms G1470R, G1703R.
Identifiers: ClinVar variation 389233 (VCV000389233.1), dbSNP rs1057523369, ClinGen allele CA16603763.

ClinVar aggregate classification (germline): Likely benign (1 of 4 stars; one submission).

Allele frequency attached by ClinVar (database versions not stated): gnomAD exomes below 0.00001; gnomAD 0.00001; TOPMed 0.00001.
gnomAD v4.1: 7 of 1,604,538 alleles (0.00044%); highest among the groups gnomAD compares: Middle Eastern, 0.034%; no homozygotes.

Submission:

GeneDx
Classification: Likely benign. Last evaluated: 2016-09-19. Review status: criteria provided, single submitter. Criteria: GeneDx Variant Classification (06012015). Collection method: clinical testing. Allele origin: germline. Affected: yes.
Comment: This variant is considered likely benign or benign based on one or more of the following criteria: it is a conservative change, it occurs at a poorly conserved position in the protein, it is predicted to be benign by multiple in silico algorithms, and/or has population frequency not consistent with disease.